The following is an entry in ClinVar:

ClinVar aggregate classification (germline): Uncertain significance. Review status: criteria provided, multiple submitters, no conflicts (2 of 4 stars). 6 submissions from 6 submitters: Uncertain significance (4). 2 of the submissions do not count toward it. Last evaluated 2023-06-26.

Conditions:
VPS13B-related disorder. Also called: VPS13B-related condition.
Inborn genetic diseases. Identifiers: MedGen C0950123, MeSH D030342.
Cohen syndrome (COH1). Also called: PEPPER SYNDROME; Cutis verticis gyrata, retinitis pigmentosa, and sensorineural deafness. Identifiers: Orphanet 193, MedGen C0265223, MONDO:0008999, OMIM 216550.

Allele frequency attached by ClinVar (database versions not stated): TOPMed below 0.00001; ExAC 0.00001; gnomAD 0.00001 and 0.00002; gnomAD exomes 0.00002 and 0.00004.
gnomAD v4.1: 36 of 1,613,828 alleles (0.0022%); highest among the groups gnomAD compares: Middle Eastern, 0.016%; no homozygotes.

Submissions (6):

Ambry Genetics
Classification: Uncertain significance for Inborn genetic diseases. Last evaluated: 2023-06-26. Review status: criteria provided, single submitter. Criteria: Ambry Variant Classification Scheme 2023. Collection method: clinical testing. Allele origin: germline.

Labcorp Genetics (formerly Invitae), Labcorp
Classification: Uncertain significance for Cohen syndrome. Last evaluated: 2022-02-08. Review status: criteria provided, single submitter. Criteria: Invitae Variant Classification Sherloc (09022015). Collection method: clinical testing. Allele origin: germline.
Comment: This sequence change replaces valine, which is neutral and non-polar, with methionine, which is neutral and non-polar, at codon 3580 of the VPS13B protein (p.Val3580Met). This variant is present in population databases (rs745866775, gnomAD 0.03%). This variant has not been reported in the literature in individuals affected with VPS13B-related conditions. ClinVar contains an entry for this variant (Variation ID: 212569). Algorithms developed to predict the effect of missense changes on protein structure and function are either unavailable or do not agree on the potential impact of this missense change (SIFT: "Not Available"; PolyPhen-2: "Possibly Damaging"; Align-GVGD: "Not Available"). In summary, the available evidence is currently insufficient to determine the role of this variant in disease. Therefore, it has been classified as a Variant of Uncertain Significance.

Blueprint Genetics
Classification: Uncertain significance. Last evaluated: 2019-12-11. Review status: criteria provided, single submitter. Criteria: ACMG Guidelines, 2015. Collection method: clinical testing. Allele origin: germline.

Genetic Services Laboratory, University of Chicago
Classification: Uncertain significance. Last evaluated: 2014-12-17. Review status: criteria provided, single submitter. Criteria: ACMG Guidelines, 2015. Collection method: clinical testing. Allele origin: germline.

PreventionGenetics, part of Exact Sciences
Classification: Uncertain significance for VPS13B-related condition. Last evaluated: 2024-05-07. Review status: no assertion criteria provided. Collection method: clinical testing. Allele origin: germline. Not counted in ClinVar's aggregate classification.
Comment: The VPS13B c.10663G>A variant is predicted to result in the amino acid substitution p.Val3555Met. To our knowledge, this variant has not been reported in the literature. This variant is reported in 0.029% of alleles in individuals of Latino descent in gnomAD. At this time, the clinical significance of this variant is uncertain due to the absence of conclusive functional and genetic evidence.

Natera, Inc.
Classification: Uncertain significance for Cohen syndrome. Last evaluated: 2019-11-11. Review status: no assertion criteria provided. Collection method: clinical testing. Allele origin: germline. Not counted in ClinVar's aggregate classification.

NM_152564.5(VPS13B):c.10663G>A (p.Val3555Met)

Gene: VPS13B (vacuolar protein sorting 13 homolog B; plus strand). Cytogenetic location: 8q22.2.
Variant type: single nucleotide variant.
Coding change: c.10663G>A on transcript NM_152564.5 (MANE Select); coding-DNA position 10663, G replaced by A.
Protein change: p.Val3555Met; replaces valine 3555 with methionine.
Molecular consequence: missense variant.
Genome position (GRCh38, 1-based): chr8:99,854,052, G>A. VCF-style: chr8-99854052-G-A. GRCh37 (hg19) VCF-style: chr8-100866280-G-A.
Other names: c.10738G>A (NM_017890.3); c.10663G>A (NM_152564.4); c.10738G>A, p.Val3580Met (NM_017890.5); short protein forms V3555M, V3580M.
Identifiers: ClinVar variation 212569 (VCV000212569.16), dbSNP rs745866775, ClinGen allele CA207579.